The following is an entry in ClinVar:

NM_001040142.2(SCN2A):c.4988T>C (p.Ile1663Thr)

Gene: SCN2A (sodium voltage-gated channel alpha subunit 2; plus strand). Cytogenetic location: 2q24.3.
Variant type: single nucleotide variant.
Coding change: c.4988T>C on transcript NM_001040142.2 (MANE Select); coding-DNA position 4988, T replaced by C.
Protein change: p.Ile1663Thr; replaces isoleucine 1663 with threonine.
Molecular consequence: missense variant.
Genome position (GRCh38, 1-based): chr2:165,388,794, T>C. VCF-style: chr2-165388794-T-C. GRCh37 (hg19) VCF-style: chr2-166245304-T-C.
Other names: c.4988T>C, p.Ile1663Thr (NM_001040143.2, NM_001371246.1, NM_001371247.1 and 1 more transcripts); c.4988T>C (NM_021007.2); short protein forms I1663T.
Identifiers: ClinVar variation 1342668 (VCV001342668.3), dbSNP rs2105402379, ClinGen allele CA349037939.
Genomic context (GRCh38, chr2:165,388,794, plus strand): 5'-CAAAGGGGATCCGCACGCTGCTCTTTGCTTTGATGATGTCCCTTCCTGCGTTGTTTAACA[T>C]CGGCCTCCTTCTTTTCCTGGTCATGTTCATCTACGCCATCTTTGGGATGTCCAATTTTGC-3'
Protein context (NP_001035232.1, residues 1653-1673): LMMSLPALFN[Ile1663Thr]GLLLFLVMFI

ClinVar aggregate classification (germline): Uncertain significance. Review status: criteria provided, single submitter (1 of 4 stars). 2 submissions from 2 submitters: Uncertain significance (1). 1 of the submissions does not count toward it. Last evaluated 2022-12-19.

Conditions:
Severe myoclonic epilepsy in infancy (DRVT). Also called: Dravet syndrome; Epileptic encephalopathy, early infantile, 6 (Dravet syndrome); Severe Myoclonic Epilepsy in Infancy (SMEI); SEVERE MYOCLONIC EPILEPSY OF INFANCY; DEVELOPMENTAL AND EPILEPTIC ENCEPHALOPATHY 6A. Identifiers: Orphanet 33069, MedGen C0751122, MONDO:0100135, OMIM 607208.

Submissions (2):

GeneDx
Classification: Uncertain significance. Last evaluated: 2022-12-19. Review status: criteria provided, single submitter. Criteria: GeneDx Variant Classification Process June 2021. Collection method: clinical testing. Allele origin: germline. Affected: yes.
Comment: In silico analysis supports that this missense variant has a deleterious effect on protein structure/function; Missense variants in this gene are often considered pathogenic (HGMD); Not observed at significant frequency in large population cohorts (gnomAD); This substitution is predicted to be within the transmembrane segment S5 of the fourth homologous domain; This variant is associated with the following publications: (PMID: 35359639, 35431799)

Neurology Department, Shenzhen Children's Hospital
Classification: Likely pathogenic for Severe myoclonic epilepsy in infancy. Last evaluated: 2022-02-16. Review status: no assertion criteria provided. Collection method: clinical testing. Allele origin: maternal. Affected: yes. Not counted in ClinVar's aggregate classification.